The following is an entry in ClinVar:

NM_032830.3(UTP4):c.1083A>G (p.Gly361=)

Gene: UTP4 (UTP4 small subunit processome component). Cytogenetic location: 16q22.1.
Variant type: single nucleotide variant.
Coding change: c.1083A>G on transcript NM_032830.3 (MANE Select); coding-DNA position 1083, A replaced by G.
Protein change: p.Gly361=; no amino-acid change (glycine 361 retained).
Molecular consequence: synonymous variant.
Genome position (GRCh38, 1-based): chr16:69,153,664, A>G. VCF-style: chr16-69153664-A-G. GRCh37 (hg19) VCF-style: chr16-69187567-A-G.
Other names: c.834A>G, p.Gly278= (NM_001318391.2).
Identifiers: ClinVar variation 888318 (VCV000888318.10), dbSNP rs34747774, ClinGen allele CA8132271.

ClinVar aggregate classification (germline): Conflicting classifications of pathogenicity. Review status: criteria provided, conflicting classifications (1 of 4 stars). 4 submissions from 4 submitters: Uncertain significance (2); Benign (1). 1 of the submissions does not count toward it. Last evaluated 2025-11-23.

Conditions:
UTP4-related disorder. Also called: UTP4-related condition.
Hereditary North American Indian childhood cirrhosis. Identifiers: Orphanet 168583, MedGen C1858051, MONDO:0011497, OMIM 604901.

Allele frequency attached by ClinVar (database versions not stated): gnomAD exomes 0.00009 and 0.00022; ExAC 0.00027; gnomAD 0.00079 and 0.00084; ESP Exome Variant Server 0.00085; TOPMed 0.00091; 1000 Genomes Project 30x 0.00109; 1000 Genomes Project 0.00120.
gnomAD v4.1: 261 of 1,612,276 alleles (0.016%); highest among the groups gnomAD compares: African/African-American, 0.25%; no homozygotes.

Submissions (4):

Labcorp Genetics (formerly Invitae), Labcorp
Classification: Benign. Last evaluated: 2025-11-23. Review status: criteria provided, single submitter. Criteria: Invitae Variant Classification Sherloc (09022015). Collection method: clinical testing. Allele origin: germline.

Illumina Laboratory Services, Illumina
Classification: Uncertain significance for Hereditary North American Indian childhood cirrhosis. Last evaluated: 2018-01-13. Review status: criteria provided, single submitter. Criteria: ICSL Variant Classification Criteria 13 December 2019. Collection method: clinical testing. Allele origin: germline.

Breakthrough Genomics
Classification: Uncertain significance. Review status: criteria provided, single submitter. Criteria: ACMG Guidelines, 2015. Collection method: not provided. Allele origin: germline. Inheritance: Unknown mechanism. Affected: yes.

PreventionGenetics, part of Exact Sciences
Classification: Likely benign for UTP4-related condition. Last evaluated: 2021-05-18. Review status: no assertion criteria provided. Collection method: clinical testing. Allele origin: germline. Not counted in ClinVar's aggregate classification.
Comment: This variant is classified as likely benign based on ACMG/AMP sequence variant interpretation guidelines (Richards et al. 2015 PMID: 25741868, with internal and published modifications).